The following is an entry in ClinVar:

ClinVar aggregate classification (germline): Uncertain significance (1 of 4 stars; one submission).

gnomAD v4.1: 1 of 1,614,188 alleles (0.000062%); highest among the groups gnomAD compares: Non-Finnish European, 0.000085%; no homozygotes.

Submission:

GeneDx
Classification: Uncertain significance. Last evaluated: 2023-05-03. Review status: criteria provided, single submitter. Criteria: GeneDx Variant Classification Process June 2021. Collection method: clinical testing. Allele origin: germline. Affected: yes.
Comment: Not observed at significant frequency in large population cohorts (gnomAD); In silico analysis supports that this missense variant does not alter protein structure/function; Has not been previously published as pathogenic or benign to our knowledge

NM_002472.3(MYH8):c.3364G>C (p.Gly1122Arg)

Genes: MYH8 (myosin heavy chain 8; minus strand), MYHAS (myosin heavy chain gene cluster antisense RNA; plus strand), LOC126862494 (BRD4-independent group 4 enhancer GRCh37_chr17:10303826-10305025; plus strand). Cytogenetic location: 17p13.1.
Variant type: single nucleotide variant.
Coding change: c.3364G>C on transcript NM_002472.3 (MANE Select); coding-DNA position 3364, G replaced by C.
Protein change: p.Gly1122Arg; replaces glycine 1122 with arginine.
Molecular consequence: missense variant.
Genome position (GRCh38, 1-based): chr17:10,400,761, C>G on the plus strand (G>C on the coding strand, the complement: MYH8 is on the minus strand). VCF-style: chr17-10400761-C-G. GRCh37 (hg19) VCF-style: chr17-10304078-C-G.
Other names: short protein forms G1122R.
Identifiers: ClinVar variation 3343149 (VCV003343149.1).
Genomic context (GRCh38, chr17:10,400,761, plus strand): 5'-GGTCAGAGCGCTGCTTCTCCGCTTTGGCTCGGGACGCCCTCTCTGCCTCGATTTCTTCCC[C>G]CAGCTCCTCAATGCGGGCCTGGGAATGAAAGAAGCACATAAACATAAACTCATCTCAACT-3'
Protein context (NP_002463.2, residues 1112-1132): KELQARIEEL[Gly1122Arg]EEIEAERASR